The following is an entry in ClinVar:

ClinVar aggregate classification (germline): Pathogenic/Likely pathogenic. Review status: criteria provided, multiple submitters, no conflicts (2 of 4 stars). 6 submissions from 6 submitters: Pathogenic (3); Likely pathogenic (2). 1 of the submissions does not count toward it. Last evaluated 2026-03-23.

Conditions:
Ehlers-Danlos syndrome, kyphoscoliotic type 1 (EDSKSCL1). Also called: EHLERS-DANLOS SYNDROME, TYPE VIA; PLOD1-Related Kyphoscoliotic Ehlers-Danlos Syndrome; EHLERS-DANLOS SYNDROME, OCULAR-SCOLIOTIC TYPE; Ehlers-Danlos syndrome, hydroxylysine-deficient. Identifiers: Orphanet 1900, MedGen C0268342, MONDO:0016002, OMIM 225400. Disease mechanism: loss of function.

Allele frequency attached by ClinVar (database versions not stated): gnomAD exomes 0.00001 and 0.00003; ExAC 0.00003; TOPMed 0.00003.

Submissions (6):

Women's Health and Genetics/Laboratory Corporation of America, LabCorp
Classification: Pathogenic for Ehlers-Danlos syndrome, kyphoscoliotic type 1. Last evaluated: 2026-03-23. Review status: criteria provided, single submitter. Criteria: LabCorp Variant Classification Summary - May 2015. Collection method: clinical testing. Allele origin: germline.
Comment: Variant summary: PLOD1 c.2032G>A (p.Gly678Arg) results in a non-conservative amino acid change in the encoded protein sequence. Algorithms developed to predict the effect of missense changes on protein structure and function all suggest that this variant is likely to be disruptive. The variant allele was found at a frequency of 2.8e-05 in 249282 control chromosomes (gnomAD). c.2032G>A has been observed in multiple individuals affected with Ehlers-Danlos syndrome, kyphoscoliotic type 1 (e.g. Ha_1994, Rohrbach_2011, Colman_2021). These data indicate that the variant is very likely to be associated with disease. The following publications have been ascertained in the context of this evaluation (PMID: 8163671, 34265140, 21699693). ClinVar contains an entry for this variant (Variation ID: 14366). Based on the evidence outlined above, the variant was classified as pathogenic.

Labcorp Genetics (formerly Invitae), Labcorp
Classification: Pathogenic for Ehlers-Danlos syndrome, kyphoscoliotic type 1. Last evaluated: 2024-08-28. Review status: criteria provided, single submitter. Criteria: Invitae Variant Classification Sherloc (09022015). Collection method: clinical testing. Allele origin: germline.
Comment: This sequence change replaces glycine, which is neutral and non-polar, with arginine, which is basic and polar, at codon 678 of the PLOD1 protein (p.Gly678Arg). This variant is present in population databases (rs121913551, gnomAD 0.02%). This missense change has been observed in individual(s) with Ehlers Danlos syndrome type VI (PMID: 8163671, 21699693). ClinVar contains an entry for this variant (Variation ID: 14366). Invitae Evidence Modeling of protein sequence and biophysical properties (such as structural, functional, and spatial information, amino acid conservation, physicochemical variation, residue mobility, and thermodynamic stability) indicates that this missense variant is expected to disrupt PLOD1 protein function with a positive predictive value of 80%. Experimental studies have shown that this missense change affects PLOD1 function (PMID: 25637337). Algorithms developed to predict the effect of sequence changes on RNA splicing suggest that this variant may create or strengthen a splice site. For these reasons, this variant has been classified as Pathogenic.

Fulgent Genetics
Classification: Likely pathogenic for Ehlers-Danlos syndrome, kyphoscoliotic type 1. Last evaluated: 2024-01-26. Review status: criteria provided, single submitter. Criteria: ACMG Guidelines, 2015. Collection method: clinical testing. Allele origin: germline.

Laboratorio de Genetica e Diagnostico Molecular, Hospital Israelita Albert Einstein
Classification: Likely pathogenic for Ehlers-Danlos syndrome, kyphoscoliotic type 1. Last evaluated: 2022-09-27. Review status: criteria provided, single submitter. Criteria: ACMG Guidelines, 2015. Collection method: clinical testing. Allele origin: germline. Affected: yes. Observed: 1 variant allele.
Comment: ACMG classification criteria: PS4 moderated, PM2 supporting, PM3 strong, PP3 supporting

Baylor Genetics
Classification: Pathogenic for Ehlers-Danlos syndrome, kyphoscoliotic type 1. Review status: criteria provided, single submitter. Criteria: ACMG Guidelines, 2015. Collection method: clinical testing. Allele origin: unknown.

OMIM
Classification: Pathogenic for EHLERS-DANLOS SYNDROME, KYPHOSCOLIOTIC TYPE, 1. Last evaluated: 1994-04-01. Review status: no assertion criteria provided. Collection method: literature only. Allele origin: germline. Not counted in ClinVar's aggregate classification.

Literature cited by the submitters: PubMed 34265140 (cited by Women's Health and Genetics/Laboratory Corporation of America, LabCorp); PubMed 21699693 (cited by Women's Health and Genetics/Laboratory Corporation of America, LabCorp and Labcorp Genetics (formerly Invitae), Labcorp); PubMed 8163671 (cited by 3 submitters); PubMed 25637337 (cited by Labcorp Genetics (formerly Invitae), Labcorp); PubMed 25326635 (cited by Baylor Genetics); PubMed 6089551 (cited by OMIM); PubMed 3110540 (cited by OMIM); PubMed 416188 (cited by OMIM); PubMed 222849 (cited by OMIM).

NM_000302.4(PLOD1):c.2032G>A (p.Gly678Arg)

Gene: PLOD1 (procollagen-lysine,2-oxoglutarate 5-dioxygenase 1; plus strand). Cytogenetic location: 1p36.22.
Variant type: single nucleotide variant.
Coding change: c.2032G>A on transcript NM_000302.4 (MANE Select); coding-DNA position 2032, G replaced by A.
Protein change: p.Gly678Arg; replaces glycine 678 with arginine.
Molecular consequence: missense variant.
Genome position (GRCh38, 1-based): chr1:11,974,656, G>A. VCF-style: chr1-11974656-G-A. GRCh37 (hg19) VCF-style: chr1-12034713-G-A.
Other names: c.2173G>A, p.Gly725Arg (NM_001316320.2); short protein forms G678R, G725R.
Identifiers: ClinVar variation 14366 (VCV000014366.18), dbSNP rs121913551, ClinGen allele CA281010.
Genomic context (GRCh38, chr1:11,974,656, plus strand): 5'-AGAACAGACGGGCAGGGGGGCGGTGGGGAAAGGCCACTGATGCTTTCTGTCTCCCAGGGC[G>A]GGGGCTGTCGGTTCCTGCGCTACAACTGTTCCATCCGAGCCCCAAGGAAGGGCTGGACCC-3'
Protein context (NP_000293.2, residues 668-688): LNRVGVDYEG[Gly678Arg]GCRFLRYNCS